The following is an entry in ClinVar:

NM_000038.6(APC):c.1041G>T (p.Met347Ile)

Gene: APC (APC regulator of Wnt signaling pathway; plus strand). Cytogenetic location: 5q22.2.
Variant type: single nucleotide variant.
Coding change: c.1041G>T on transcript NM_000038.6 (MANE Select); coding-DNA position 1041, G replaced by T.
Protein change: p.Met347Ile; replaces methionine 347 with isoleucine.
Molecular consequence: missense variant. On other transcripts: non-coding transcript variant (2), intron variant (15).
Genome position (GRCh38, 1-based): chr5:112,819,073, G>T. VCF-style: chr5-112819073-G-T. GRCh37 (hg19) VCF-style: chr5-112154770-G-T.
Other names: c.1041G>T, p.Met347Ile (NM_001127510.3, NM_001354895.2, NM_001354896.2 and 4 more transcripts); c.987G>T, p.Met329Ile (NM_001127511.3); c.1071G>T, p.Met357Ile (NM_001354897.2, NM_001407446.1); c.966G>T, p.Met322Ile (NM_001354898.2, NM_001407451.1); c.957G>T, p.Met319Ile (NM_001354899.2, NM_001407452.1); c.864G>T, p.Met288Ile (NM_001354900.2, NM_001354901.2, NM_001407453.1); c.192G>T, p.Met64Ile (NM_001354906.2, NM_001407470.1); c.85-196G>T (NM_001407472.1, NM_001407471.1); and 5 more; short protein forms M357I, M64I, M347I, M322I, M288I, M319I, M329I.
Identifiers: ClinVar variation 3411572 (VCV003411572.1).

ClinVar aggregate classification (germline): Uncertain significance (1 of 4 stars; one submission).

Conditions:
Hereditary cancer-predisposing syndrome. Also called: Neoplastic Syndromes, Hereditary; Tumor predisposition; Hereditary Cancer Syndrome; Hereditary neoplastic syndrome. Identifiers: Orphanet 140162, MedGen C0027672, MeSH D009386, MONDO:0015356.

Submission:

Ambry Genetics
Classification: Uncertain significance for Hereditary cancer-predisposing syndrome. Last evaluated: 2024-10-08. Review status: criteria provided, single submitter. Criteria: Ambry Variant Classification Scheme 2023. Collection method: clinical testing. Allele origin: germline.
Comment: The p.M347I variant (also known as c.1041G>T), located in coding exon 9 of the APC gene, results from a G to T substitution at nucleotide position 1041. The methionine at codon 347 is replaced by isoleucine, an amino acid with highly similar properties. This amino acid position is conserved. In addition, in silico predictors for this gene do not accurately predict pathogenicity. Based on the available evidence, the clinical significance of this variant remains unclear.